The following is an entry in ClinVar:

ClinVar aggregate classification (germline): Likely benign (1 of 4 stars; one submission).

Submission:

CeGaT Center for Human Genetics Tuebingen
Classification: Likely benign. Last evaluated: 2024-12-01. Review status: criteria provided, single submitter. Criteria: CeGaT Center For Human Genetics Tuebingen Variant Classification Criteria Version 2. Collection method: clinical testing. Allele origin: germline. Affected: yes. Observed: 1 variant allele.
Comment: EPCAM: PM2:Supporting, BP4, BP7

NM_002354.3(EPCAM):c.225C>G (p.Gly75=)

Gene: EPCAM (epithelial cell adhesion molecule; plus strand). Cytogenetic location: 2p21.
Variant type: single nucleotide variant.
Coding change: c.225C>G on transcript NM_002354.3 (MANE Select); coding-DNA position 225, C replaced by G.
Protein change: p.Gly75=; no amino-acid change (glycine 75 retained).
Molecular consequence: synonymous variant.
Genome position (GRCh38, 1-based): chr2:47,373,848, C>G. VCF-style: chr2-47373848-C-G. GRCh37 (hg19) VCF-style: chr2-47600987-C-G.
Identifiers: ClinVar variation 3772003 (VCV003772003.13).